The following is an entry in ClinVar:

ClinVar aggregate classification (germline): Benign (1 of 4 stars; one submission).

Allele frequency attached by ClinVar (database versions not stated): 1000 Genomes Project 0.95148; TOPMed 0.95028; gnomAD 0.95600 and 0.95288; 1000 Genomes Project 30x 0.94644.
gnomAD v4.1: 145,398 of 152,018 alleles (96%); highest among the groups gnomAD compares: Middle Eastern, 100%; 69,880 homozygotes.

Submissions (2):

GeneDx
Classification: Benign. Last evaluated: 2018-06-14. Review status: criteria provided, single submitter. Criteria: GeneDx Variant Classification (06012015). Collection method: clinical testing. Allele origin: germline. Affected: yes.
Comment: This variant is considered likely benign or benign based on one or more of the following criteria: it is a conservative change, it occurs at a poorly conserved position in the protein, it is predicted to be benign by multiple in silico algorithms, and/or has population frequency not consistent with disease.

Dr. Peter K. Rogan Lab, Western University
No classification provided (evidence only). Condition: Cholangiocarcinoma. Review status: no classification provided. Collection method: in vitro. Allele origin: not applicable. Functional consequence: retained intron. Not counted in ClinVar's aggregate classification.

NM_001384140.1(PCDH15):c.319-251G>T

Gene: PCDH15 (protocadherin related 15; minus strand). Cytogenetic location: 10q21.1.
Variant type: single nucleotide variant.
Coding change: c.319-251G>T on transcript NM_001384140.1 (MANE Select); 251 bases into the intron before coding-DNA position 319, G replaced by T.
Molecular consequence: intron variant.
Genome position (GRCh38, 1-based): chr10:54,369,526, C>A on the plus strand (G>T on the coding strand, the complement: PCDH15 is on the minus strand). VCF-style: chr10-54369526-C-A. GRCh37 (hg19) VCF-style: chr10-56129286-C-A.
Other names: NC_000010.10:g.56129286C>A; c.319-251G>T (NM_001354420.2, NM_001354429.2, NM_001142772.2 and 8 more transcripts); c.334-251G>T (NM_001142771.2, NM_001142769.3, NM_001142763.2); c.253-251G>T (NM_001354404.2, NM_001142773.2, NM_001142768.2).
Identifiers: ClinVar variation 667934 (VCV000667934.2), dbSNP rs1342308, ClinGen allele CA207587226.